The following is an entry in ClinVar:

ClinVar aggregate classification (germline): Uncertain significance (1 of 4 stars; one submission).

Conditions:
Hereditary cancer-predisposing syndrome. Also called: Neoplastic Syndromes, Hereditary; Hereditary Cancer Syndrome; Hereditary neoplastic syndrome; Tumor predisposition. Identifiers: Orphanet 140162, MedGen C0027672, MeSH D009386, MONDO:0015356.

Submission:

Ambry Genetics
Classification: Uncertain significance for Hereditary cancer-predisposing syndrome. Last evaluated: 2023-05-26. Review status: criteria provided, single submitter. Criteria: Ambry Variant Classification Scheme 2023. Collection method: clinical testing. Allele origin: germline.
Comment: The p.V377L variant (also known as c.1129G>T), located in coding exon 7 of the DICER1 gene, results from a G to T substitution at nucleotide position 1129. The valine at codon 377 is replaced by leucine, an amino acid with highly similar properties. This amino acid position is conserved. In addition, the in silico prediction for this alteration is inconclusive. Since supporting evidence is limited at this time, the clinical significance of this alteration remains unclear.

NM_177438.3(DICER1):c.1129G>T (p.Val377Leu)

Gene: DICER1 (dicer 1, ribonuclease III; minus strand). Cytogenetic location: 14q32.13.
Variant type: single nucleotide variant.
Coding change: c.1129G>T on transcript NM_177438.3 (MANE Select); coding-DNA position 1129, G replaced by T.
Protein change: p.Val377Leu; replaces valine 377 with leucine.
Molecular consequence: missense variant. On other transcripts: 5 prime UTR variant (1), non-coding transcript variant (6).
Genome position (GRCh38, 1-based): chr14:95,124,443, C>A on the plus strand (G>T on the coding strand, the complement: DICER1 is on the minus strand). VCF-style: chr14-95124443-C-A. GRCh37 (hg19) VCF-style: chr14-95590780-C-A.
Other names: c.1129G>T, p.Val377Leu (NM_001195573.1, NM_001271282.3, NM_001291628.2 and 15 more transcripts); c.847G>T, p.Val283Leu (NM_001395686.1); c.724G>T, p.Val242Leu (NM_001395687.1, NM_001395688.1, NM_001395689.1 and 3 more transcripts); c.562G>T, p.Val188Leu (NM_001395691.1); c.-440G>T (NM_001395697.1); short protein forms V242L, V283L, V377L, V188L.
Identifiers: ClinVar variation 2566219 (VCV002566219.2), dbSNP rs1893220138, ClinGen allele CA390886898.
Genomic context (GRCh38, chr14:95,124,443, plus strand): 5'-TTTCAAACTGCTGTCGCTCATATGGTTTATATTTGCGTAAGATTTCGAGCAGTTTGATTA[C>A]TTTAGGAGTTACAAATTTCAGGTCAAGTGAGGCAGGTGAGAAGTGCTCTTCACATAGTGC-3'
Protein context (NP_803187.1, residues 367-387): SLDLKFVTPK[Val377Leu]IKLLEILRKY